The following is an entry in ClinVar:

ClinVar aggregate classification (germline): Uncertain significance (1 of 4 stars; one submission).

Conditions:
Hereditary cancer-predisposing syndrome. Also called: Neoplastic Syndromes, Hereditary; Tumor predisposition; Hereditary Cancer Syndrome; Hereditary neoplastic syndrome. Identifiers: Orphanet 140162, MedGen C0027672, MeSH D009386, MONDO:0015356.

Submission:

Ambry Genetics
Classification: Uncertain significance for Hereditary cancer-predisposing syndrome. Last evaluated: 2024-11-09. Review status: criteria provided, single submitter. Criteria: Ambry Variant Classification Scheme 2023. Collection method: clinical testing. Allele origin: germline.
Comment: The p.S384T variant (also known as c.1151G>C), located in coding exon 9 of the APC gene, results from a G to C substitution at nucleotide position 1151. The serine at codon 384 is replaced by threonine, an amino acid with similar properties. This amino acid position is conserved. In addition, in silico predictors for this gene do not accurately predict pathogenicity. Based on the available evidence, the clinical significance of this variant remains unclear.

NM_000038.6(APC):c.1151G>C (p.Ser384Thr)

Gene: APC (APC regulator of Wnt signaling pathway; plus strand). Cytogenetic location: 5q22.2.
Variant type: single nucleotide variant.
Coding change: c.1151G>C on transcript NM_000038.6 (MANE Select); coding-DNA position 1151, G replaced by C.
Protein change: p.Ser384Thr; replaces serine 384 with threonine.
Molecular consequence: missense variant. On other transcripts: non-coding transcript variant (2), intron variant (15).
Genome position (GRCh38, 1-based): chr5:112,819,183, G>C. VCF-style: chr5-112819183-G-C. GRCh37 (hg19) VCF-style: chr5-112154880-G-C.
Other names: c.1151G>C, p.Ser384Thr (NM_001127510.3, NM_001354895.2, NM_001354896.2 and 4 more transcripts); c.1097G>C, p.Ser366Thr (NM_001127511.3); c.1181G>C, p.Ser394Thr (NM_001354897.2, NM_001407446.1); c.1076G>C, p.Ser359Thr (NM_001354898.2, NM_001407451.1); c.1067G>C, p.Ser356Thr (NM_001354899.2, NM_001407452.1); c.974G>C, p.Ser325Thr (NM_001354900.2, NM_001354901.2, NM_001407453.1); c.302G>C, p.Ser101Thr (NM_001354906.2, NM_001407470.1); c.85-86G>C (NM_001407472.1, NM_001407471.1); and 5 more; short protein forms S101T, S359T, S325T, S384T, S394T, S356T, S366T.
Identifiers: ClinVar variation 3412147 (VCV003412147.1).